The following is an entry in ClinVar:

NM_015100.4(POGZ):c.2768dup (p.His923fs)

Gene: POGZ (pogo transposable element derived with ZNF domain; minus strand). Cytogenetic location: 1q21.3.
Variant type: Duplication.
Coding change: c.2768dup on transcript NM_015100.4 (MANE Select); coding-DNA position 2768, one base duplicated (A; older notation c.2768dupA).
Protein change: p.His923fs; shifts the reading frame from histidine 923.
Molecular consequence: frameshift variant.
Genome position (GRCh38, 1-based): chr1:151,406,267, T duplicated on the plus strand (A on the coding strand, the reverse complement: POGZ is on the minus strand). VCF-style (leftmost placement, unchanged base first): chr1-151406266-G-GT. GRCh37 (hg19) VCF-style: chr1-151378742-G-GT.
Other names: c.2741dup, p.His914fs (NM_001194937.2); c.2582dup, p.His861fs (NM_001194938.2); c.2483dup, p.His828fs (NM_145796.4); c.2609dup, p.His870fs (NM_207171.2); c.2768dupA (NM_015100.4); short protein forms H828fs, H861fs, H870fs, H914fs, H923fs.
Identifiers: ClinVar variation 1032656 (VCV001032656.2), dbSNP rs1653579916, ClinGen allele CA2479570583.

ClinVar aggregate classification (germline): Pathogenic. Review status: criteria provided, multiple submitters, no conflicts (2 of 4 stars). 2 submissions from 2 submitters: Pathogenic (2). Last evaluated 2024-01-01.

Conditions:
Intellectual disability-microcephaly-strabismus-behavioral abnormalities syndrome. Also called: White-Sutton Syndrome. Identifiers: Orphanet 468678, MedGen C4225351, MONDO:0014606, OMIM 616364.

Submissions (2):

Daryl Scott Lab, Baylor College of Medicine
Classification: Pathogenic for Intellectual disability-microcephaly-strabismus-behavioral abnormalities syndrome. Last evaluated: 2024-01-01. Review status: criteria provided, single submitter. Criteria: ACMG Guidelines, 2015. Collection method: clinical testing. Allele origin: de novo. Affected: yes. Observed: 1 heterozygote.
Comment: PVS1, PS2, PM2

Baylor Genetics
Classification: Pathogenic for Intellectual disability-microcephaly-strabismus-behavioral abnormalities syndrome. Last evaluated: 2018-06-08. Review status: criteria provided, single submitter. Criteria: ACMG Guidelines, 2015. Collection method: clinical testing. Allele origin: de novo. Affected: yes.
Comment: This variant was determined to be pathogenic according to ACMG Guidelines, 2015 [PMID:25741868].